The following is an entry in ClinVar:

ClinVar aggregate classification (germline): Uncertain significance (1 of 4 stars; one submission).

Allele frequency attached by ClinVar (database versions not stated): gnomAD exomes below 0.00001.
gnomAD v4.1: 2 of 1,607,354 alleles (0.00012%); highest among the groups gnomAD compares: East Asian, 0.0022%; no homozygotes.

Submission:

Labcorp Genetics (formerly Invitae), Labcorp
Classification: Uncertain significance. Last evaluated: 2021-10-27. Review status: criteria provided, single submitter. Criteria: Invitae Variant Classification Sherloc (09022015). Collection method: clinical testing. Allele origin: germline.
Comment: In summary, the available evidence is currently insufficient to determine the role of this variant in disease. Therefore, it has been classified as a Variant of Uncertain Significance. Advanced modeling of protein sequence and biophysical properties (such as structural, functional, and spatial information, amino acid conservation, physicochemical variation, residue mobility, and thermodynamic stability) performed at Invitae indicates that this missense variant is not expected to disrupt FAT4 protein function. This variant has not been reported in the literature in individuals affected with FAT4-related conditions. This variant is not present in population databases (gnomAD no frequency). This sequence change replaces asparagine, a(n) neutral and polar amino acid, with threonine, a(n) neutral and polar amino acid, at codon 1956 of the FAT4 protein (p.Asn1956Thr).

NM_001291303.3(FAT4):c.5867A>C (p.Asn1956Thr)

Gene: FAT4 (FAT atypical cadherin 4; plus strand). Cytogenetic location: 4q28.1.
Variant type: single nucleotide variant.
Coding change: c.5867A>C on transcript NM_001291303.3 (MANE Select); coding-DNA position 5867, A replaced by C.
Protein change: p.Asn1956Thr; replaces asparagine 1956 with threonine.
Molecular consequence: missense variant.
Genome position (GRCh38, 1-based): chr4:125,408,741, A>C. VCF-style: chr4-125408741-A-C. GRCh37 (hg19) VCF-style: chr4-126329896-A-C.
Other names: c.5867A>C, p.Asn1956Thr (NM_001291285.3, NM_024582.6); short protein forms N1956T.
Identifiers: ClinVar variation 1389709 (VCV001389709.6), dbSNP rs1734726577, ClinGen allele CA358123754.